The following is an entry in ClinVar:

ClinVar aggregate classification (germline): Pathogenic (1 of 4 stars; one submission).

Conditions:
Neurofibromatosis, type 1 (NF1). Also called: Neurofibromatosis, type I; VON RECKLINGHAUSEN DISEASE; NEUROFIBROMATOSIS, TYPE I, SOMATIC; Peripheral type neurofibromatosis. Identifiers: Orphanet 636, MedGen C0027831, MONDO:0018975, OMIM 162200. Disease mechanism: loss of function.

Submission:

Labcorp Genetics (formerly Invitae), Labcorp
Classification: Pathogenic for Neurofibromatosis, type 1. Last evaluated: 2022-04-04. Review status: criteria provided, single submitter. Criteria: Invitae Variant Classification Sherloc (09022015). Collection method: clinical testing. Allele origin: germline.
Comment: This sequence change creates a premature translational stop signal (p.Leu79Tyrfs*6) in the NF1 gene. It is expected to result in an absent or disrupted protein product. Loss-of-function variants in NF1 are known to be pathogenic (PMID: 10712197, 23913538). This variant is not present in population databases (gnomAD no frequency). This premature translational stop signal has been observed in individual(s) with neurofibromatosis type 1 (PMID: 16479075). For these reasons, this variant has been classified as Pathogenic.

Literature cited by the submitters: PubMed 10712197; PubMed 23913538; PubMed 16479075.

NM_001042492.3(NF1):c.236del (p.Leu79fs)

Gene: NF1 (neurofibromin 1; plus strand). Cytogenetic location: 17q11.2.
Variant type: Deletion.
Coding change: c.236del on transcript NM_001042492.3 (MANE Select); coding-DNA position 236, one base deleted (T; older notation c.236delT).
Protein change: p.Leu79fs; shifts the reading frame from leucine 79.
Molecular consequence: frameshift variant.
Genome position (GRCh38, 1-based): chr17:31,159,041, T deleted; the last of 3 consecutive T bases (chr17:31,159,039-31,159,041); deleting any one gives the same sequence. VCF-style (leftmost placement, unchanged base first): chr17-31159038-AT-A. GRCh37 (hg19) VCF-style: chr17-29486056-AT-A.
Other names: c.236delT, p.Leu79Tyrfs (NM_000267.4); c.236del, p.Leu79fs (NM_001128147.3); short protein forms L79fs.
Identifiers: ClinVar variation 1454334 (VCV001454334.6), dbSNP rs749577520, ClinGen allele CA2573153543.